The following is an entry in ClinVar:

NM_001103.4(ACTN2):c.391C>A (p.Leu131Met)

Gene: ACTN2 (actinin alpha 2; plus strand). Cytogenetic location: 1q43.
Variant type: single nucleotide variant.
Coding change: c.391C>A on transcript NM_001103.4 (MANE Select); coding-DNA position 391, C replaced by A.
Protein change: p.Leu131Met; replaces leucine 131 with methionine.
Molecular consequence: missense variant. On other transcripts: non-coding transcript variant (1).
Genome position (GRCh38, 1-based): chr1:236,720,134, C>A. VCF-style: chr1-236720134-C-A. GRCh37 (hg19) VCF-style: chr1-236883434-C-A.
Other names: c.391C>A, p.Leu131Met (NM_001278343.2); short protein forms L131M.
Identifiers: ClinVar variation 3761537 (VCV003761537.2).
Genomic context (GRCh38, chr1:236,720,134, plus strand): 5'-TTACATTAATTTGTTGTTTTCTTACCTGCAGAAATTGTTGATGGCAACGTGAAAATGACC[C>A]TGGGTATGATCTGGACCATCATCCTTCGCTTTGCTATTCAGGATATTTCGGTTGAAGGTA-3'
Protein context (NP_001094.1, residues 121-141): EIVDGNVKMT[Leu131Met]GMIWTIILRF

ClinVar aggregate classification (germline): Uncertain significance (1 of 4 stars; one submission).

Conditions:
Dilated cardiomyopathy 1AA (CMD1AA). Also called: Cardiomyopathy, dilated, 1AA, with or without LVNC; CARDIOMYOPATHY, DILATED, 1AA, WITH OR WITHOUT LEFT VENTRICULAR NONCOMPACTION; CARDIOMYOPATHY, FAMILIAL HYPERTROPHIC, 23, WITH OR WITHOUT LEFT VENTRICULAR NONCOMPACTION. Identifiers: Orphanet 154, MedGen C2677338, MONDO:0012808, OMIM 612158.
Primary familial hypertrophic cardiomyopathy (HCM). Identifiers: Orphanet 99739, MedGen C0949658, MeSH D024741, MONDO:0024573. Inheritance: Various modes of inheritance.

Submission:

Labcorp Genetics (formerly Invitae), Labcorp
Classification: Uncertain significance for Primary familial hypertrophic cardiomyopathy; Dilated cardiomyopathy 1AA. Last evaluated: 2024-11-05. Review status: criteria provided, single submitter. Criteria: Invitae Variant Classification Sherloc (09022015). Collection method: clinical testing. Allele origin: germline.
Comment: This sequence change replaces leucine, which is neutral and non-polar, with methionine, which is neutral and non-polar, at codon 131 of the ACTN2 protein (p.Leu131Met). This variant is not present in population databases (gnomAD no frequency). This variant has not been reported in the literature in individuals affected with ACTN2-related conditions. Invitae Evidence Modeling of protein sequence and biophysical properties (such as structural, functional, and spatial information, amino acid conservation, physicochemical variation, residue mobility, and thermodynamic stability) indicates that this missense variant is expected to disrupt ACTN2 protein function with a positive predictive value of 80%. In summary, the available evidence is currently insufficient to determine the role of this variant in disease. Therefore, it has been classified as a Variant of Uncertain Significance.